The following is an entry in ClinVar:

ClinVar aggregate classification (germline): Uncertain significance (1 of 4 stars; one submission).

Submission:

GeneDx
Classification: Uncertain significance. Last evaluated: 2020-10-27. Review status: criteria provided, single submitter. Criteria: GeneDx Variant Classification Process June 2021. Collection method: clinical testing. Allele origin: germline. Affected: yes.
Comment: Not observed in large population cohorts (Lek 2016); In silico analysis supports that this missense variant does not alter protein structure/function; Has not been previously published as pathogenic or benign to our knowledge; Also known as 7153A>C

NM_000059.4(BRCA2):c.6925A>C (p.Ser2309Arg)

Gene: BRCA2 (BRCA2 DNA repair associated; plus strand). Cytogenetic location: 13q13.1.
Variant type: single nucleotide variant.
Coding change: c.6925A>C on transcript NM_000059.4 (MANE Select); coding-DNA position 6925, A replaced by C.
Protein change: p.Ser2309Arg; replaces serine 2309 with arginine.
Molecular consequence: missense variant.
Genome position (GRCh38, 1-based): chr13:32,344,641, A>C. VCF-style: chr13-32344641-A-C. GRCh37 (hg19) VCF-style: chr13-32918778-A-C.
Other names: short protein forms S2309R.
Identifiers: ClinVar variation 1320435 (VCV001320435.2), dbSNP rs2137537371, ClinGen allele CA387792933.